The following is an entry in ClinVar:

ClinVar aggregate classification (germline): Benign (1 of 4 stars; one submission).

Conditions:
Familial cancer of breast. Also called: hereditary breast carcinoma; BREAST CANCER, FAMILIAL; Hereditary breast cancer. Identifiers: Orphanet 227535, MedGen C0346153, MONDO:0016419, OMIM 114480. Disease mechanism: loss of function.

Submission:

Myriad Genetics, Inc.
Classification: Benign for Familial cancer of breast. Last evaluated: 2024-06-10. Review status: criteria provided, single submitter. Criteria: Myriad Autosomal Dominant, Autosomal Recessive and X-Linked Classification Criteria (2023). Collection method: clinical testing. Allele origin: unknown.
Comment: This variant is considered benign. This variant is a silent/synonymous amino acid change and it is not expected to impact splicing.

NM_000051.4(ATM):c.6714A>G (p.Glu2238=)

Genes: ATM (ATM serine/threonine kinase; plus strand), C11orf65 (chromosome 11 open reading frame 65; minus strand). Cytogenetic location: 11q22.3.
Variant type: single nucleotide variant.
Coding change: c.6714A>G on transcript NM_000051.4 (MANE Select); coding-DNA position 6714, A replaced by G.
Protein change: p.Glu2238=; no amino-acid change (glutamic acid 2238 retained).
Molecular consequence: synonymous variant. On other transcripts: intron variant (2).
Genome position (GRCh38, 1-based): chr11:108,325,451, A>G. VCF-style: chr11-108325451-A-G. GRCh37 (hg19) VCF-style: chr11-108196178-A-G.
Other names: c.6714A>G, p.Glu2238= (NM_001351834.2); c.641-16380T>C (NM_001330368.2); c.*38+9769T>C (NM_001351110.2).
Identifiers: ClinVar variation 3253838 (VCV003253838.1), dbSNP rs2136313982.